The following is an entry in ClinVar:

ClinVar aggregate classification (germline): Uncertain significance (1 of 4 stars; one submission).

Conditions:
Kabuki syndrome. Also called: NIIKAWA-KUROKI SYNDROME; Kabuki make-up syndrome. Identifiers: Orphanet 2322, MedGen C0796004, MONDO:0016512.

Allele frequency attached by ClinVar (database versions not stated): ExAC 0.00001; gnomAD 0.00001; gnomAD exomes 0.00001; TOPMed 0.00001.
gnomAD v4.1: 5 of 1,613,660 alleles (0.00031%); highest among the groups gnomAD compares: African/African-American, 0.0027%; no homozygotes.

Submission:

Labcorp Genetics (formerly Invitae), Labcorp
Classification: Uncertain significance for Kabuki syndrome. Last evaluated: 2022-01-22. Review status: criteria provided, single submitter. Criteria: Invitae Variant Classification Sherloc (09022015). Collection method: clinical testing. Allele origin: germline.
Comment: In summary, the available evidence is currently insufficient to determine the role of this variant in disease. Therefore, it has been classified as a Variant of Uncertain Significance. Advanced modeling of protein sequence and biophysical properties (such as structural, functional, and spatial information, amino acid conservation, physicochemical variation, residue mobility, and thermodynamic stability) performed at Invitae indicates that this missense variant is not expected to disrupt KMT2D protein function. This variant has not been reported in the literature in individuals affected with KMT2D-related conditions. This variant is present in population databases (rs751183371, gnomAD 0.0009%). This sequence change replaces proline, which is neutral and non-polar, with arginine, which is basic and polar, at codon 1936 of the KMT2D protein (p.Pro1936Arg).

NM_003482.4(KMT2D):c.5807C>G (p.Pro1936Arg)

Gene: KMT2D (lysine methyltransferase 2D; minus strand). Cytogenetic location: 12q13.12.
Variant type: single nucleotide variant.
Coding change: c.5807C>G on transcript NM_003482.4 (MANE Select); coding-DNA position 5807, C replaced by G.
Protein change: p.Pro1936Arg; replaces proline 1936 with arginine.
Molecular consequence: missense variant.
Genome position (GRCh38, 1-based): chr12:49,042,621, G>C on the plus strand (C>G on the coding strand, the complement: KMT2D is on the minus strand). VCF-style: chr12-49042621-G-C. GRCh37 (hg19) VCF-style: chr12-49436404-G-C.
Other names: short protein forms P1936R.
Identifiers: ClinVar variation 2138215 (VCV002138215.4), dbSNP rs751183371, ClinGen allele CA6547429.